The following is an entry in ClinVar:

NM_004336.5(BUB1):c.371G>A (p.Arg124Lys)

Gene: BUB1 (BUB1 mitotic checkpoint serine/threonine kinase; minus strand). Cytogenetic location: 2q13.
Variant type: single nucleotide variant.
Coding change: c.371G>A on transcript NM_004336.5 (MANE Select); coding-DNA position 371, G replaced by A.
Protein change: p.Arg124Lys; replaces arginine 124 with lysine.
Molecular consequence: missense variant.
Genome position (GRCh38, 1-based): chr2:110,672,712, C>T on the plus strand (G>A on the coding strand, the complement: BUB1 is on the minus strand). VCF-style: chr2-110672712-C-T. GRCh37 (hg19) VCF-style: chr2-111430289-C-T.
Other names: c.311G>A, p.Arg104Lys (NM_001278616.2); c.371G>A, p.Arg124Lys (NM_001278617.2); short protein forms R104K, R124K.
Identifiers: ClinVar variation 1734277 (VCV001734277.3), dbSNP rs761855882, ClinGen allele CA348220442.

ClinVar aggregate classification (germline): Uncertain significance (1 of 4 stars; one submission).

Allele frequency attached by ClinVar (database versions not stated): TOPMed below 0.00001.
gnomAD v4.1: 1 of 1,612,610 alleles (0.000062%); highest among the groups gnomAD compares: Non-Finnish European, 0.000085%; no homozygotes.

Submission:

Ambry Genetics
Classification: Uncertain significance. Last evaluated: 2024-10-12. Review status: criteria provided, single submitter. Criteria: Ambry Variant Classification Scheme 2023. Collection method: clinical testing. Allele origin: germline.
Comment: The p.R124K variant (also known as c.371G>A), located in coding exon 4 of the BUB1 gene, results from a G to A substitution at nucleotide position 371. The arginine at codon 124 is replaced by lysine, an amino acid with highly similar properties. This amino acid position is conserved. In addition, this alteration is predicted to be tolerated by in silico analysis. Since supporting evidence is limited at this time, the clinical significance of this alteration remains unclear.